The following is an entry in ClinVar:

ClinVar aggregate classification (germline): Pathogenic/Likely pathogenic. Review status: criteria provided, multiple submitters, no conflicts (2 of 4 stars). 2 submissions from 2 submitters: Pathogenic (1); Likely pathogenic (1). Last evaluated 2026-05-12.

Conditions:
RPS7-related disorder. Also called: RPS7-related condition.

Submissions (2):

PreventionGenetics, part of Exact Sciences
Classification: Pathogenic for RPS7-related condition. Last evaluated: 2026-05-12. Review status: criteria provided, single submitter. Criteria: ACMG Guidelines, 2015. Collection method: clinical testing. Allele origin: germline.
Comment: The RPS7 c.-19+2T>C variant is located in the 5' untranslated region. This variant has been reported in an individual with Diamond-Blackfan anemia (DBA) (Smetanina et al. 2015. PubMed ID: 25946618). Alternate variants at this splice site (c.-19+1G>T, c.-19+1G>C) have been reported in individuals with DBA (Table II, Smetanina et al. 2015. PubMed ID: 25946618; Supplemental Discussion, Skorodumova et al. 2022. PubMed ID: 36057918; Table S1, van Dooijeweert et al. 2018. PubMed ID: 29114930). This variant has not been reported in a large population database (gnomAD), indicating this variant is rare. This variant is interpreted as pathogenic.

GeneDx
Classification: Likely pathogenic. Last evaluated: 2026-04-16. Review status: criteria provided, single submitter. Criteria: GeneDx Variant Classification Process June 2021. Collection method: clinical testing. Allele origin: germline.
Comment: Located in a regulatory region; in the absence of functional studies, the actual effect of this sequence change is unknown; Not observed at significant frequency in large population cohorts (gnomAD); In silico analysis supports a deleterious effect on splicing; This variant is associated with the following publications: (PMID: 25946618)

NM_001011.4(RPS7):c.-19+2T>C

Gene: RPS7 (ribosomal protein S7; plus strand). Cytogenetic location: 2p25.3.
Variant type: single nucleotide variant.
Coding change: c.-19+2T>C on transcript NM_001011.4 (MANE Select); the canonical splice donor site of the intron after 19 bases upstream of the start codon, T replaced by C.
Molecular consequence: splice donor variant.
Genome position (GRCh38, 1-based): chr2:3,575,352, T>C. VCF-style: chr2-3575352-T-C. GRCh37 (hg19) VCF-style: chr2-3622942-T-C.
Identifiers: ClinVar variation 4992311 (VCV004992311.2).